The following is an entry in ClinVar:

ClinVar aggregate classification (germline): Uncertain significance (1 of 4 stars; one submission).

gnomAD v4.1: 17 of 1,613,312 alleles (0.0011%); highest among the groups gnomAD compares: African/African-American, 0.023%; no homozygotes.

Submission:

Women's Health and Genetics/Laboratory Corporation of America, LabCorp
Classification: Uncertain significance. Last evaluated: 2026-06-09. Review status: criteria provided, single submitter. Criteria: LabCorp Variant Classification Summary - May 2015. Collection method: clinical testing. Allele origin: germline.
Comment: Variant summary: CP c.1348+6T>C alters a nucleotide located close to a canonical splice site and therefore could affect mRNA splicing, leading to a significantly altered protein sequence. Consensus agreement among computation tools predict no significant impact on normal splicing. However, these predictions have yet to be confirmed by functional studies. The variant allele was found at a frequency of 8e-06 in 251386 control chromosomes. The available data on variant occurrences in the general population are insufficient to allow any conclusion about variant significance. To our knowledge, no occurrence of c.1348+6T>C in individuals affected with CP-related conditions and no experimental evidence demonstrating its impact on protein function have been reported. ClinVar contains an entry for this variant (Variation ID: 3907267). Based on the evidence outlined above, the variant was classified as uncertain significance.

NM_000096.4(CP):c.1348+6T>C

Gene: CP (ceruloplasmin; minus strand). Cytogenetic location: 3q25.1.
Variant type: single nucleotide variant.
Coding change: c.1348+6T>C on transcript NM_000096.4 (MANE Select); 6 bases into the intron after coding-DNA position 1348, T replaced by C.
Molecular consequence: intron variant.
Genome position (GRCh38, 1-based): chr3:149,202,096, A>G on the plus strand (T>C on the coding strand, the complement: CP is on the minus strand). VCF-style: chr3-149202096-A-G. GRCh37 (hg19) VCF-style: chr3-148919883-A-G.
Identifiers: ClinVar variation 3907267 (VCV003907267.2).